The following is an entry in ClinVar:

NM_004380.3(CREBBP):c.775G>A (p.Ala259Thr)

Gene: CREBBP (CREB binding lysine acetyltransferase; minus strand). Cytogenetic location: 16p13.3.
Variant type: single nucleotide variant.
Coding change: c.775G>A on transcript NM_004380.3 (MANE Select); coding-DNA position 775, G replaced by A.
Protein change: p.Ala259Thr; replaces alanine 259 with threonine.
Molecular consequence: missense variant.
Genome position (GRCh38, 1-based): chr16:3,850,320, C>T on the plus strand (G>A on the coding strand, the complement: CREBBP is on the minus strand). VCF-style: chr16-3850320-C-T. GRCh37 (hg19) VCF-style: chr16-3900321-C-T.
Other names: c.775G>A, p.Ala259Thr (NM_001079846.1); short protein forms A259T.
Identifiers: ClinVar variation 4810153 (VCV004810153.1).

ClinVar aggregate classification (germline): Uncertain significance (1 of 4 stars; one submission).

Conditions:
Rubinstein-Taybi syndrome (RSTS). Identifiers: Orphanet 783, MedGen C0035934, MONDO:0019188.

gnomAD v4.1: 15 of 1,614,062 alleles (0.00093%); highest among the groups gnomAD compares: Non-Finnish European, 0.0013%; no homozygotes.

Submission:

Labcorp Genetics (formerly Invitae), Labcorp
Classification: Uncertain significance for Rubinstein-Taybi syndrome. Last evaluated: 2025-07-21. Review status: criteria provided, single submitter. Criteria: Invitae Variant Classification Sherloc (09022015). Collection method: clinical testing. Allele origin: germline.
Comment: This sequence change replaces alanine, which is neutral and non-polar, with threonine, which is neutral and polar, at codon 259 of the CREBBP protein (p.Ala259Thr). This variant is not present in population databases (gnomAD no frequency). This variant has not been reported in the literature in individuals affected with CREBBP-related conditions. Invitae Evidence Modeling of protein sequence and biophysical properties (such as structural, functional, and spatial information, amino acid conservation, physicochemical variation, residue mobility, and thermodynamic stability) indicates that this missense variant is not expected to disrupt CREBBP protein function with a negative predictive value of 95%. In summary, the available evidence is currently insufficient to determine the role of this variant in disease. Therefore, it has been classified as a Variant of Uncertain Significance.